The following is an entry in ClinVar:

ClinVar aggregate classification (germline): Pathogenic/Likely pathogenic. Review status: criteria provided, multiple submitters, no conflicts (2 of 4 stars). 4 submissions from 4 submitters: Pathogenic (1); Likely pathogenic (3). Last evaluated 2026-05-19.

Conditions:
Neurofibromatosis, type 1 (NF1). Also called: NEUROFIBROMATOSIS, TYPE I, SOMATIC; VON RECKLINGHAUSEN DISEASE; Peripheral type neurofibromatosis; Neurofibromatosis, type I. Identifiers: Orphanet 636, MedGen C0027831, MONDO:0018975, OMIM 162200. Disease mechanism: loss of function.
Hereditary cancer-predisposing syndrome. Also called: Hereditary neoplastic syndrome; Neoplastic Syndromes, Hereditary; Hereditary Cancer Syndrome; Tumor predisposition. Identifiers: Orphanet 140162, MedGen C0027672, MeSH D009386, MONDO:0015356.
Cardiovascular phenotype. Identifiers: MedGen CN230736.

Submissions (4):

GeneDx
Classification: Likely pathogenic. Last evaluated: 2026-05-19. Review status: criteria provided, single submitter. Criteria: GeneDx Variant Classification Process June 2021. Collection method: clinical testing. Allele origin: germline.
Comment: Canonical splice site variant demonstrated to result in aberrant splicing leading to complete or partial loss of the adjacent exon in a gene for which loss of function is a known mechanism of disease (PMID: 34782607); Deletions involving coding exons of this gene are a known mechanism of disease (HGMD); Not observed at significant frequency in large population cohorts (gnomAD); This variant is associated with the following publications: (PMID: 25486365, 34782607, 30014477)

Ambry Genetics
Classification: Likely pathogenic for Cardiovascular phenotype; Hereditary cancer-predisposing syndrome. Last evaluated: 2025-02-18. Review status: criteria provided, single submitter. Criteria: Ambry Variant Classification Scheme 2023. Collection method: clinical testing. Allele origin: germline.
Comment: The c.7127-1G>A intronic variant results from a G to A substitution one nucleotide upstream from coding exon 48 of the NF1 gene. This variant was reported in individual(s) with features consistent with neurofibromatosis type 1 (Palma Milla C et al. Ann Hum Genet, 2018 Nov;82:425-436). This variant is considered to be rare based on population cohorts in the Genome Aggregation Database (gnomAD). This nucleotide position is well conserved in available vertebrate species. In silico splice site analysis predicts that this alteration will weaken the native splice acceptor site and will result in the creation or strengthening of a novel splice acceptor site. RNA studies have demonstrated that this alteration results in the deletion of one nucleotide in exon 48 (Koster R et al. NPJ Genom Med, 2021 Nov;6:95; Ambry internal data). Alterations that disrupt the canonical splice site are expected to cause aberrant splicing, resulting in an abnormal protein or a transcript that is subject to nonsense-mediated mRNA decay. As such, this alteration is classified as likely pathogenic.

Labcorp Genetics (formerly Invitae), Labcorp
Classification: Pathogenic for Neurofibromatosis, type 1. Last evaluated: 2024-08-21. Review status: criteria provided, single submitter. Criteria: Invitae Variant Classification Sherloc (09022015). Collection method: clinical testing. Allele origin: germline.
Comment: This sequence change affects an acceptor splice site in intron 47 of the NF1 gene. It is expected to disrupt RNA splicing. Variants that disrupt the donor or acceptor splice site typically lead to a loss of protein function (PMID: 16199547), and loss-of-function variants in NF1 are known to be pathogenic (PMID: 10712197, 23913538). This variant is not present in population databases (gnomAD no frequency). Disruption of this splice site has been observed in individuals with neurofibromatosis type I (PMID: 16944272, 30014477). ClinVar contains an entry for this variant (Variation ID: 939750). Algorithms developed to predict the effect of sequence changes on RNA splicing suggest that this variant may disrupt the consensus splice site. For these reasons, this variant has been classified as Pathogenic.

Laboratory for Molecular Medicine, Mass General Brigham Personalized Medicine
Classification: Likely pathogenic for Neurofibromatosis, type 1. Last evaluated: 2019-03-18. Review status: criteria provided, single submitter. Criteria: ACMG Guidelines, 2015. Collection method: clinical testing. Allele origin: germline. Inheritance: Autosomal dominant inheritance.
Comment: The c.7190-1G>A variant in NF1 has not been previously reported in individuals with neurofibromatosis type 1 (NF1) or large population studies. This variant occurs within the canonical splice site (+/- 1,2) and is predicted to cause altered splicing leading to an abnormal or absent protein. Please note, splicing tools predicted a cryptic splice site one nucleotide downstream, which if used would result in a frameshift variant. Loss of function of the NF1 gene is an established disease mechanism in autosomal dominant NF1. In summary, although additional studies are required to fully establish its clinical significance, this variant meets criteria to be classified as likely pathogenic for autosomal dominant NF1. ACMG/AMP Criteria applied: PVS1, PM2.

Literature cited by the submitters: PubMed 30014477 (cited by Ambry Genetics and Labcorp Genetics (formerly Invitae), Labcorp); PubMed 34782607 (cited by Ambry Genetics); PubMed 16199547 (cited by Labcorp Genetics (formerly Invitae), Labcorp); PubMed 10712197 (cited by Labcorp Genetics (formerly Invitae), Labcorp); PubMed 23913538 (cited by Labcorp Genetics (formerly Invitae), Labcorp); PubMed 16944272 (cited by Labcorp Genetics (formerly Invitae), Labcorp).

NM_001042492.3(NF1):c.7190-1G>A

Gene: NF1 (neurofibromin 1; plus strand). Cytogenetic location: 17q11.2.
Variant type: single nucleotide variant.
Coding change: c.7190-1G>A on transcript NM_001042492.3 (MANE Select); the canonical splice acceptor site of the intron before coding-DNA position 7190, G replaced by A.
Molecular consequence: splice acceptor variant.
Genome position (GRCh38, 1-based): chr17:31,349,119, G>A. VCF-style: chr17-31349119-G-A. GRCh37 (hg19) VCF-style: chr17-29676137-G-A.
Other names: c.7127-1G>A (NM_000267.4).
Identifiers: ClinVar variation 939750 (VCV000939750.13), dbSNP rs2070073417, ClinGen allele CA399016646.